The following is an entry in ClinVar:

ClinVar aggregate classification (germline): Pathogenic (1 of 4 stars; one submission).

Conditions:
Duchenne muscular dystrophy (DMD). Also called: MUSCULAR DYSTROPHY, PSEUDOHYPERTROPHIC PROGRESSIVE, DUCHENNE TYPE; Duchenne Muscular Dystrophy (DMD). Identifiers: Orphanet 98896, MedGen C0013264, MONDO:0010679, OMIM 310200.

Submission:

Laboratory of Medical Genetics, National & Kapodistrian University of Athens
Classification: Pathogenic for Duchenne muscular dystrophy. Last evaluated: 2022-12-16. Review status: criteria provided, single submitter. Criteria: ACMG Guidelines, 2015. Collection method: clinical testing. Allele origin: germline. Affected: yes.
Comment: PVS1, PM2, PP5

NM_004006.3(DMD):c.9619_9626del (p.Cys3207fs)

Gene: DMD (dystrophin; minus strand). Cytogenetic location: Xp21.2.
Variant type: Deletion.
Coding change: c.9619_9626del on transcript NM_004006.3 (MANE Select); coding-DNA positions 9619 to 9626, 8 bases deleted (TGTAAAGC; older notation c.9619_9626delTGTAAAGC).
Protein change: p.Cys3207fs; shifts the reading frame from cysteine 3207.
Molecular consequence: frameshift variant.
Genome position (GRCh38, 1-based): chrX:31,206,605-31,206,612, GCTTTACA deleted on the plus strand (TGTAAAGC on the coding strand, the reverse complement: DMD is on the minus strand). VCF-style (leftmost placement, unchanged base first): chrX-31206604-TGCTTTACA-T. GRCh37 (hg19) VCF-style: chrX-31224721-TGCTTTACA-T.
Other names: c.9595_9602del, p.Cys3199fs (NM_000109.4); c.9607_9614del, p.Cys3203fs (NM_004009.3); c.9250_9257del, p.Cys3084fs (NM_004010.3); c.5596_5603del, p.Cys1866fs (NM_004011.4); c.5587_5594del, p.Cys1863fs (NM_004012.4); c.2239_2246del, p.Cys747fs (NM_004013.3, NM_004020.4, NM_004021.3 and 2 more transcripts); c.1432_1439del, p.Cys478fs (NM_004014.3); c.415_422del, p.Cys139fs (NM_004015.3, NM_004016.3, NM_004017.3 and 2 more transcripts); short protein forms C139fs, C1863fs, C1866fs, C3084fs, C3199fs, C3203fs, C3207fs, C478fs.
Identifiers: ClinVar variation 1806434 (VCV001806434.1), dbSNP rs2521251058, ClinGen allele CA2580100565.